The following is an entry in ClinVar:

ClinVar aggregate classification (germline): Uncertain significance. Review status: criteria provided, multiple submitters, no conflicts (2 of 4 stars). 2 submissions from 2 submitters: Uncertain significance (2). Last evaluated 2025-11-23.

Conditions:
Inborn genetic diseases. Identifiers: MedGen C0950123, MeSH D030342.

Allele frequency attached by ClinVar (database versions not stated): gnomAD exomes 0.00004; TOPMed 0.00002; ExAC 0.00004.
gnomAD v4.1: 56 of 1,613,292 alleles (0.0035%); highest among the groups gnomAD compares: Non-Finnish European, 0.0045%; no homozygotes.

Submissions (2):

Labcorp Genetics (formerly Invitae), Labcorp
Classification: Uncertain significance. Last evaluated: 2025-11-23. Review status: criteria provided, single submitter. Criteria: Invitae Variant Classification Sherloc (09022015). Collection method: clinical testing. Allele origin: germline.
Comment: This sequence change replaces serine, which is neutral and polar, with cysteine, which is neutral and slightly polar, at codon 1188 of the AP3D1 protein (p.Ser1188Cys). This variant is present in population databases (rs776007925, gnomAD 0.006%). This variant has not been reported in the literature in individuals affected with AP3D1-related conditions. ClinVar contains an entry for this variant (Variation ID: 1948203). An algorithm developed to predict the effect of missense changes on protein structure and function (PolyPhen-2) suggests that this variant is likely to be disruptive. In summary, the available evidence is currently insufficient to determine the role of this variant in disease. Therefore, it has been classified as a Variant of Uncertain Significance.

Ambry Genetics
Classification: Uncertain significance for Inborn genetic diseases. Last evaluated: 2025-02-01. Review status: criteria provided, single submitter. Criteria: Ambry Variant Classification Scheme 2023. Collection method: clinical testing. Allele origin: germline.

NM_001261826.3(AP3D1):c.3563C>G (p.Ser1188Cys)

Gene: AP3D1 (adaptor related protein complex 3 subunit delta 1; minus strand). Cytogenetic location: 19p13.3.
Variant type: single nucleotide variant.
Coding change: c.3563C>G on transcript NM_001261826.3 (MANE Select); coding-DNA position 3563, C replaced by G.
Protein change: p.Ser1188Cys; replaces serine 1188 with cysteine.
Molecular consequence: missense variant.
Genome position (GRCh38, 1-based): chr19:2,102,258, G>C on the plus strand (C>G on the coding strand, the complement: AP3D1 is on the minus strand). VCF-style: chr19-2102258-G-C. GRCh37 (hg19) VCF-style: chr19-2102257-G-C.
Other names: c.3527C>G, p.Ser1176Cys (NM_001374799.1); c.3377C>G, p.Ser1126Cys (NM_003938.8); c.3377C>G (NM_003938.5); short protein forms S1176C, S1126C, S1188C.
Identifiers: ClinVar variation 1948203 (VCV001948203.6), dbSNP rs776007925, ClinGen allele CA9058317.